The following is an entry in ClinVar:

ClinVar aggregate classification (germline): Uncertain significance (1 of 4 stars; one submission).

Allele frequency attached by ClinVar (database versions not stated): gnomAD exomes below 0.00001; TOPMed 0.00001.
gnomAD v4.1: 6 of 1,614,092 alleles (0.00037%); highest among the groups gnomAD compares: Non-Finnish European, 0.00034%; no homozygotes.

Submission:

Labcorp Genetics (formerly Invitae), Labcorp
Classification: Uncertain significance. Last evaluated: 2022-03-16. Review status: criteria provided, single submitter. Criteria: Invitae Variant Classification Sherloc (09022015). Collection method: clinical testing. Allele origin: germline.
Comment: This sequence change replaces arginine, which is basic and polar, with tryptophan, which is neutral and slightly polar, at codon 822 of the EXTL3 protein (p.Arg822Trp). This variant is present in population databases (no rsID available, gnomAD 0.009%). This variant has not been reported in the literature in individuals affected with EXTL3-related conditions. Algorithms developed to predict the effect of missense changes on protein structure and function (SIFT, PolyPhen-2, Align-GVGD) all suggest that this variant is likely to be disruptive. In summary, the available evidence is currently insufficient to determine the role of this variant in disease. Therefore, it has been classified as a Variant of Uncertain Significance.

NM_001440.4(EXTL3):c.2464C>T (p.Arg822Trp)

Gene: EXTL3 (exostosin like glycosyltransferase 3; plus strand). Cytogenetic location: 8p21.1.
Variant type: single nucleotide variant.
Coding change: c.2464C>T on transcript NM_001440.4 (MANE Select); coding-DNA position 2464, C replaced by T.
Protein change: p.Arg822Trp; replaces arginine 822 with tryptophan.
Molecular consequence: missense variant. On other transcripts: non-coding transcript variant (1).
Genome position (GRCh38, 1-based): chr8:28,743,128, C>T. VCF-style: chr8-28743128-C-T. GRCh37 (hg19) VCF-style: chr8-28600645-C-T.
Other names: short protein forms R822W.
Identifiers: ClinVar variation 2078801 (VCV002078801.1), dbSNP rs1464570972, ClinGen allele CA370849637.